The following is an entry in ClinVar:

ClinVar aggregate classification (germline): Uncertain significance (1 of 4 stars; one submission).

Conditions:
Birt-Hogg-Dube syndrome. Also called: Birt Hogg Dubé syndrome. Identifiers: Orphanet 122, MedGen C0346010, MONDO:0800444.

Submission:

Labcorp Genetics (formerly Invitae), Labcorp
Classification: Uncertain significance for Birt-Hogg-Dube syndrome. Last evaluated: 2023-10-22. Review status: criteria provided, single submitter. Criteria: Invitae Variant Classification Sherloc (09022015). Collection method: clinical testing. Allele origin: germline.
Comment: This sequence change replaces glycine, which is neutral and non-polar, with aspartic acid, which is acidic and polar, at codon 325 of the FLCN protein (p.Gly325Asp). This variant is not present in population databases (gnomAD no frequency). This variant has not been reported in the literature in individuals affected with FLCN-related conditions. An algorithm developed to predict the effect of missense changes on protein structure and function (PolyPhen-2) suggests that this variant is likely to be tolerated. In summary, the available evidence is currently insufficient to determine the role of this variant in disease. Therefore, it has been classified as a Variant of Uncertain Significance.

NM_144997.7(FLCN):c.974G>A (p.Gly325Asp)

Gene: FLCN (folliculin; minus strand). Cytogenetic location: 17p11.2.
Variant type: single nucleotide variant.
Coding change: c.974G>A on transcript NM_144997.7 (MANE Select); coding-DNA position 974, G replaced by A.
Protein change: p.Gly325Asp; replaces glycine 325 with aspartic acid.
Molecular consequence: missense variant.
Genome position (GRCh38, 1-based): chr17:17,219,107, C>T on the plus strand (G>A on the coding strand, the complement: FLCN is on the minus strand). VCF-style: chr17-17219107-C-T. GRCh37 (hg19) VCF-style: chr17-17122421-C-T.
Other names: c.1028G>A, p.Gly343Asp (NM_001353229.2); c.974G>A, p.Gly325Asp (NM_001353230.2, NM_001353231.2); short protein forms G325D, G343D.
Identifiers: ClinVar variation 2770899 (VCV002770899.3), dbSNP rs1278019825, ClinGen allele CA398532891.